The following is an entry in ClinVar:

NM_152383.5(DIS3L2):c.1951G>A (p.Asp651Asn)

Gene: DIS3L2 (DIS3 like 3'-5' exoribonuclease 2; plus strand). Cytogenetic location: 2q37.1.
Variant type: single nucleotide variant.
Coding change: c.1951G>A on transcript NM_152383.5 (MANE Select); coding-DNA position 1951, G replaced by A.
Protein change: p.Asp651Asn; replaces aspartic acid 651 with asparagine.
Molecular consequence: missense variant. On other transcripts: non-coding transcript variant (2), intron variant (1).
Genome position (GRCh38, 1-based): chr2:232,330,717, G>A. VCF-style: chr2-232330717-G-A. GRCh37 (hg19) VCF-style: chr2-233195427-G-A.
Other names: c.1582-12628G>A (NM_001257281.2); short protein forms D651N.
Identifiers: ClinVar variation 2726965 (VCV002726965.3), dbSNP rs200212211, ClinGen allele CA66926667.

ClinVar aggregate classification (germline): Uncertain significance (1 of 4 stars; one submission).

Conditions:
Perlman syndrome (PRLMNS). Identifiers: Orphanet 2849, MedGen C0796113, MONDO:0009965, OMIM 267000.

Allele frequency attached by ClinVar (database versions not stated): gnomAD exomes below 0.00001.
gnomAD v4.1: 1 of 1,613,930 alleles (0.000062%); highest among the groups gnomAD compares: Non-Finnish European, 0.000085%; no homozygotes.

Submission:

Labcorp Genetics (formerly Invitae), Labcorp
Classification: Uncertain significance for Perlman syndrome. Last evaluated: 2023-06-24. Review status: criteria provided, single submitter. Criteria: Invitae Variant Classification Sherloc (09022015). Collection method: clinical testing. Allele origin: germline.
Comment: In summary, the available evidence is currently insufficient to determine the role of this variant in disease. Therefore, it has been classified as a Variant of Uncertain Significance. Advanced modeling of protein sequence and biophysical properties (such as structural, functional, and spatial information, amino acid conservation, physicochemical variation, residue mobility, and thermodynamic stability) performed at Invitae indicates that this missense variant is not expected to disrupt DIS3L2 protein function. This variant has not been reported in the literature in individuals affected with DIS3L2-related conditions. This variant is not present in population databases (gnomAD no frequency). This sequence change replaces aspartic acid, which is acidic and polar, with asparagine, which is neutral and polar, at codon 651 of the DIS3L2 protein (p.Asp651Asn).